The following is an entry in ClinVar:

ClinVar aggregate classification (germline): Likely benign (1 of 4 stars; one submission).

Allele frequency attached by ClinVar (database versions not stated): TOPMed 0.00010; gnomAD 0.00011; ExAC 0.00012; 1000 Genomes Project 0.00020; ESP Exome Variant Server 0.00023.
gnomAD v4.1: 122 of 1,613,832 alleles (0.0076%); highest among the groups gnomAD compares: Middle Eastern, 0.16%; 1 homozygote.

Submission:

CeGaT Center for Human Genetics Tuebingen
Classification: Likely benign. Last evaluated: 2022-08-01. Review status: criteria provided, single submitter. Criteria: CeGaT Center For Human Genetics Tuebingen Variant Classification Criteria Version 2. Collection method: clinical testing. Allele origin: germline. Affected: yes. Observed: 2 variant alleles.
Comment: ST14: BP4, BP7

NM_021978.4(ST14):c.492C>T (p.His164=)

Gene: ST14 (ST14 transmembrane serine protease matriptase; plus strand). Cytogenetic location: 11q24.3.
Variant type: single nucleotide variant.
Coding change: c.492C>T on transcript NM_021978.4 (MANE Select); coding-DNA position 492, C replaced by T.
Protein change: p.His164=; no amino-acid change (histidine 164 retained).
Molecular consequence: synonymous variant.
Genome position (GRCh38, 1-based): chr11:130,189,790, C>T. VCF-style: chr11-130189790-C-T. GRCh37 (hg19) VCF-style: chr11-130059685-C-T.
Identifiers: ClinVar variation 2642545 (VCV002642545.24), dbSNP rs142848651, ClinGen allele CA6363608.
Genomic context (GRCh38, chr11:130,189,790, plus strand): 5'-TCTCCCCAGCGAGGGCAGCGTCATCGCCTACTACTGGTCTGAGTTCAGCATCCCGCAGCA[C>T]CTGGTGGAGGAGGCCGAGCGCGTCATGGCCGAGGAGCGCGTAGTCATGCTGCCCCCGCGG-3'
Protein context (NP_068813.1, residues 154-174): YYWSEFSIPQ[His164=]LVEEAERVMA